The following continues an entry in ClinVar:

NM_000053.4(ATP7B):c.1934T>G (p.Met645Arg)

Gene: ATP7B. ClinVar aggregate classification (germline): Pathogenic/Likely pathogenic. Pathogenic (21); Likely pathogenic (4).

Submissions 8 to 26 of 26:

Blueprint Genetics
Classification: Pathogenic for ATP7B-related disorders. Last evaluated: 2024-11-14. Review status: criteria provided, single submitter. Criteria: ACMG Guidelines, 2015. Collection method: clinical testing. Allele origin: germline. Affected: yes. Observed: 5 variant alleles.

All of Us Research Program, National Institutes of Health
Classification: Pathogenic for Wilson disease. Last evaluated: 2024-09-23. Review status: criteria provided, single submitter. Criteria: ACMG Guidelines, 2015. Collection method: clinical testing. Allele origin: germline. Inheritance: Autosomal recessive inheritance. Observed: 135 variant alleles, 135 heterozygotes.
Comment: This missense variant replaces methionine with arginine at codon 645 of the ATP7B protein. Computational prediction suggests that this variant may not impact protein structure and function (internally defined REVEL score threshold <= 0.5, PMID: 27666373). This variant has shown to cause almost complete, out-of-frame skipping of exon 6 in mini-gene RNA assays using four different cell lines (PMID: 32284880). In compound heterozygous or homozygous HepG2 cell lines that were edited for this c.1934T>C variant using CRISPR/Cas9 technology, the amount of full length transcript was reduced by more than 70%, consistent with significantly reduced ATP7B protein expression in these cells (PMID: 32284880). This variant has been reported in over 50 individuals affected with Wilson disease (PMID: 9311736, 9482578, 9671279, 15024742, 15952988, 17300695, 17433323, 17949296, 19118915, 21832955, 22484412, 23518715, 23962630, 24706876, 32043565, 33159804). In over 30 of these individuals, this variant was reported in the compound heterozygous or homozygous state (PMID: 9482578, 15024742, 15952988, 19118915, 22484412, 23518715, 23962630, 33159804). This variant is highly prevalent among Wilson disease patients of Spanish descent and has been observed in 55% of Spanish individuals with Wilson disease (PMID: 15952988). This variant has been identified in 133/280976 chromosomes in the general population by the Genome Aggregation Database (gnomAD). Based on the available evidence, this variant is classified as Pathogenic.

This study involves interpretation of variants in research participants for the purpose of population health screening. Participant phenotype was not available at the time of variant classification. Additional details can be found in publication PMID: 35346344, PMCID: PMC8962531

Baylor Genetics
Classification: Pathogenic for Wilson disease. Last evaluated: 2024-03-30. Review status: criteria provided, single submitter. Criteria: ACMG Guidelines, 2015. Collection method: clinical testing. Allele origin: unknown.

Fulgent Genetics
Classification: Pathogenic for Wilson disease. Last evaluated: 2024-03-21. Review status: criteria provided, single submitter. Criteria: ACMG Guidelines, 2015. Collection method: clinical testing. Allele origin: germline.

Mayo Clinic Laboratories, Mayo Clinic
Classification: Pathogenic. Last evaluated: 2024-02-07. Review status: criteria provided, single submitter. Criteria: ACMG Guidelines, 2015. Collection method: clinical testing. Allele origin: germline. Observed: 11 variant alleles.

Revvity Omics, Revvity
Classification: Pathogenic for Wilson disease. Last evaluated: 2023-08-20. Review status: criteria provided, single submitter. Criteria: ACMG Guidelines, 2015. Collection method: clinical testing. Allele origin: germline.

Institute for Clinical Genetics, University Hospital TU Dresden, University Hospital TU Dresden
Classification: Likely pathogenic. Last evaluated: 2023-02-09. Review status: criteria provided, single submitter. Criteria: ACMG Guidelines, 2015. Collection method: clinical testing. Allele origin: germline.
Comment: PM3_VSTR, PS3

Mendelics
Classification: Pathogenic for Wilson disease. Last evaluated: 2022-05-04. Review status: criteria provided, single submitter. Criteria: Mendelics Assertion Criteria 2019. Collection method: clinical testing. Allele origin: germline.

Myriad Genetics, Inc.
Classification: Likely pathogenic for Wilson disease. Last evaluated: 2021-11-01. Review status: criteria provided, single submitter. Criteria: Myriad Women's Health Autosomal Recessive and X-Linked Classification Criteria (2021). Collection method: clinical testing. Allele origin: unknown.
Comment: NM_000053.3(ATP7B):c.1934T>G(M645R) is a missense variant classified as likely pathogenic in the context of Wilson disease. M645R has been observed in cases with relevant disease (PMID: 23518715, 19118915, 32043565, 33159804, 15952988, 23962630). Functional assessments of this variant are available in the literature (PMID: 24706876). M645R has been observed in population frequency databases (gnomAD: AMR 0.22%). In summary, NM_000053.3(ATP7B):c.1934T>G(M645R) is a missense variant that has been observed more frequently in cases with the relevant disease than in healthy populations. Please note: this variant was assessed in the context of healthy population screening.

Genome-Nilou Lab
Classification: Pathogenic for Wilson disease. Last evaluated: 2021-08-10. Review status: criteria provided, single submitter. Criteria: ACMG Guidelines, 2015. Collection method: clinical testing. Allele origin: germline. Affected: no.

Ambry Genetics
Classification: Pathogenic for Inborn genetic diseases. Last evaluated: 2021-01-28. Review status: criteria provided, single submitter. Criteria: Ambry Variant Classification Scheme 2023. Collection method: clinical testing. Allele origin: germline.
Comment: The c.1934T>G (p.M645R) alteration is located in exon 6 (coding exon 6) of the ATP7B gene. This alteration results from a T to G substitution at nucleotide position 1934, causing the methionine (M) at amino acid position 645 to be replaced by an arginine (R). Based on data from the Genome Aggregation Database (gnomAD) database, the ATP7B c.1934T>G alteration was observed in 0.05% (133/280976) of total alleles studied, with a frequency of 0.23% (24/10362) in the Ashkenazi Jewish subpopulation. This mutation has been detected in many compound heterozygous individuals with Wilson Disease, some of whom had only mild symptoms (Margarit, 2005; Kalinsky, 1998; Loudianos, 1998; Shah, 1997; Garc&iacute;a-Villarreal, 2000; Pe&ntilde;a-Quintana, 2012; Arruda, 2014). Minigene analysis of this variant in four cell lines demonstrated that this variant results in increased exon skipping compared to wildtype, with Hep2G cells compound heterozygous for this mutation expressing 15% of wild type levels and homozygous cells expressing approximately 30% (Merico, 2020). The in silico prediction for the p.M645R alteration is inconclusive. Based on the available evidence, this alteration is classified as pathogenic.

SIB Swiss Institute of Bioinformatics
Classification: Likely pathogenic for Wilson disease. Last evaluated: 2020-04-27. Review status: criteria provided, single submitter. Criteria: ACMG Guidelines, 2015. Collection method: curation. Allele origin: unknown. Inheritance: Autosomal recessive inheritance.
Comment: This variant is interpreted as likely pathogenic for Wilson disease, autosomal recessive. NM_000053.4:c.1934T>G has been identified in a compound heterozygous state in multiple patients with Wilson disease (for example PMID:9482578, 9671269, 11093740, 15952988, 17949296), and is present in gnomAD at a frequency compatible with disease prevalence. Functional studies have been published, but results are contradictory. Some studies (PubMed:17919502, 24706876, 22240481) show that the variant has no functional effect. Merico et al. (PubMed:32284880) demonstrate that NM_000053.4:c.1934T>G causes 70% skipping of exon 6. Exon 6 skipping results in frameshift and stop gain, and reduced protein expression. The following ACMG Tag(s) were applied to variant interpretation: PM2 => Absent from controls (or at extremely low frequency if recessive) in Exome Sequencing Project, 1000 Genomes Project, or Exome Aggregation Consortium. PM3-Very Strong => For recessive disorders, detected in trans with a pathogenic variant. Criterion has been upgraded because the variant has been detected in multiple patients.

GeneDx
Classification: Pathogenic. Last evaluated: 2020-02-20. Review status: criteria provided, single submitter. Criteria: GeneDx Variant Classification Process June 2021. Collection method: clinical testing. Allele origin: germline. Affected: yes.
Comment: Published functional studies demonstrate nearly complete exon-skipping when the variant was transfected into different cell lines (Merico et al., 2019); This variant is associated with the following publications: (PMID: 32043565, 31980526, 32067425, 32284880, 32154060, 15952988, 27285482, 27437191, 17919502, 27398169, 25525159, 27415407, 28856630, 9311736, 24706876, 28433111, 22692182, 23962630, 22240481, 24253677, 29482223)

Illumina Laboratory Services, Illumina
Classification: Pathogenic for Wilson Disease. Last evaluated: 2016-06-14. Review status: criteria provided, single submitter. Criteria: ICSL Variant Classification 20161018. Collection method: clinical testing. Allele origin: germline.
Comment: Across a selection of available literature, the c.1934T>G (p.Met645Arg) variant has been identified in a compound heterozygous state in at least 23 patients with Wilson disease (Shah et al. 1997; Kalinsky et al. 1998; Deguti et al. 2004; Margarit at al. 2005). The p.Met645Arg variant was absent from 195 controls but is reported at a frequency of 0.00285 in the Latino population of the Exome Aggregation Consortium. The p.Met645Arg variant results in a change of a neutral nonpolar residue to a basic residue. The variant is located in trans-membrane region 1, hence this substitution is expected to disrupt the structure of the transmembrane domain. Functional studies in Sf9 cells demonstrated that the variant displayed copper uptake activity that was indistinguishable from wild type, however the variant was hyperphosphorylated compared to wild type ATP7B (Huster et al. 2012). Studies in SV40-transformed ATP7A-null cells also showed that the p.Met645Arg variant and other missense variants do not disrupt copper transport activity (Braiterman et al. 2014). The biochemical defect for this variant therefore remains to be elucidated. Based on the clinical evidence from the literature, the p.Met645Arg variant is classified as pathogenic for Wilson disease.

Genetic Services Laboratory, University of Chicago
Classification: Pathogenic for Wilson disease. Last evaluated: 2013-02-08. Review status: criteria provided, single submitter. Criteria: ACMG Guidelines, 2007. Collection method: clinical testing. Allele origin: germline. Inheritance: Autosomal recessive inheritance. Affected: yes.

Women's Health and Genetics/Laboratory Corporation of America, LabCorp
Classification: Pathogenic for Wilson Disease. Last evaluated: 2011-08-18. Review status: criteria provided, single submitter. Criteria: LabCorp Variant Classification Summary - May 2015. Collection method: curation, clinical testing. Allele origin: germline. Inheritance: autosomal recessive. Affected: yes. Observed: 26 variant alleles.
ClinVar note: Converted during submission from pathogenic to Pathogenic.

Clinical Genetics Service, Universitary Hospital 12 de Octubre
Classification: Pathogenic for Wilson disease. Review status: criteria provided, single submitter. Criteria: ACMG Guidelines, 2015. Collection method: clinical testing. Allele origin: germline. Affected: yes.

UNC Molecular Genetics  Laboratory, University of North Carolina at Chapel Hill
Classification: Likely pathogenic for Wilson disease. Review status: criteria provided, single submitter. Criteria: ACMG Guidelines, 2015. Collection method: research. Allele origin: germline. Affected: no. Observed: 1 variant allele. Study: NSIGHT-NC NEXUS.
Comment: The ATP7B c.1934T>G (p.M645R) variant has previously been reported in the homozygous and compound heterozygous state in individuals with Wilson disease (PMID: 11093740; 9482578; 9671269; 15952988; 19118915; 20301685).

carrier finding

OMIM
Classification: Pathogenic for WILSON DISEASE. Last evaluated: 2005-07-01. Review status: no assertion criteria provided. Collection method: literature only. Allele origin: germline. Not counted in ClinVar's aggregate classification.

Literature cited by the submitters: PubMed 9311736 (cited by 6 submitters); PubMed 9482578 (cited by 8 submitters); PubMed 9671269 (cited by 6 submitters); PubMed 11093740 (cited by 5 submitters); PubMed 15952988 (cited by 10 submitters); PubMed 19118915 (cited by 5 submitters); PubMed 21832955 (cited by 4 submitters); PubMed 22240481 (cited by 4 submitters); PubMed 32043565 (cited by 4 submitters); PubMed 9671279 (cited by Color Diagnostics, LLC DBA Color Health and All of Us Research Program, National Institutes of Health); PubMed 15024742 (cited by 5 submitters); PubMed 17300695 (cited by 3 submitters); PubMed 17433323 (cited by 3 submitters); PubMed 17949296 (cited by 4 submitters); PubMed 22484412 (cited by Color Diagnostics, LLC DBA Color Health and All of Us Research Program, National Institutes of Health); PubMed 23518715 (cited by 4 submitters); PubMed 23962630 (cited by 4 submitters); PubMed 24706876 (cited by 5 submitters); PubMed 32284880 (cited by 4 submitters); PubMed 33159804 (cited by 3 submitters); PubMed 17919502 (cited by SIB Swiss Institute of Bioinformatics); PubMed 15994426 (cited by Women's Health and Genetics/Laboratory Corporation of America, LabCorp); PubMed 16233999 (cited by Women's Health and Genetics/Laboratory Corporation of America, LabCorp); PubMed 9801873 (cited by Women's Health and Genetics/Laboratory Corporation of America, LabCorp); PubMed 20967755 (cited by Women's Health and Genetics/Laboratory Corporation of America, LabCorp); PubMed 20301685 (cited by UNC Molecular Genetics  Laboratory, University of North Carolina at Chapel Hill).